The following is an entry in ClinVar:

ClinVar aggregate classification (germline): Uncertain significance. Review status: criteria provided, multiple submitters, no conflicts (2 of 4 stars). 2 submissions from 2 submitters: Uncertain significance (2). Last evaluated 2025-11-26.

Conditions:
Hypertrophic cardiomyopathy. Also called: HYPERTROPHIC MYOCARDIOPATHY. Identifiers: Orphanet 217569, MedGen C0007194, MeSH D002312, MONDO:0005045, HP:0001639.

Allele frequency attached by ClinVar (database versions not stated): gnomAD 0.00001 and 0.00002; TOPMed 0.00002.

Submissions (2):

Ambry Genetics
Classification: Uncertain significance. Last evaluated: 2025-11-26. Review status: criteria provided, single submitter. Criteria: Ambry Variant Classification Scheme 2023. Collection method: clinical testing. Allele origin: germline.

Labcorp Genetics (formerly Invitae), Labcorp
Classification: Uncertain significance for Hypertrophic cardiomyopathy. Last evaluated: 2022-03-09. Review status: criteria provided, single submitter. Criteria: Invitae Variant Classification Sherloc (09022015). Collection method: clinical testing. Allele origin: germline.
Comment: This variant has not been reported in the literature in individuals affected with MYOM1-related conditions. In summary, the available evidence is currently insufficient to determine the role of this variant in disease. Therefore, it has been classified as a Variant of Uncertain Significance. Algorithms developed to predict the effect of missense changes on protein structure and function are either unavailable or do not agree on the potential impact of this missense change (SIFT: "Tolerated"; PolyPhen-2: "Possibly Damaging"; Align-GVGD: "Class C0"). ClinVar contains an entry for this variant (Variation ID: 837933). The frequency data for this variant in the population databases is considered unreliable, as metrics indicate poor data quality at this position in the gnomAD database. This sequence change replaces alanine, which is neutral and non-polar, with proline, which is neutral and non-polar, at codon 534 of the MYOM1 protein (p.Ala534Pro).

NM_003803.4(MYOM1):c.1600G>C (p.Ala534Pro)

Gene: MYOM1 (myomesin 1; minus strand). Cytogenetic location: 18p11.31.
Variant type: single nucleotide variant.
Coding change: c.1600G>C on transcript NM_003803.4 (MANE Select); coding-DNA position 1600, G replaced by C.
Protein change: p.Ala534Pro; replaces alanine 534 with proline.
Molecular consequence: missense variant.
Genome position (GRCh38, 1-based): chr18:3,154,990, C>G on the plus strand (G>C on the coding strand, the complement: MYOM1 is on the minus strand). VCF-style: chr18-3154990-C-G. GRCh37 (hg19) VCF-style: chr18-3154988-C-G.
Other names: c.1600G>C, p.Ala534Pro (NM_019856.2); short protein forms A534P.
Identifiers: ClinVar variation 837933 (VCV000837933.12), dbSNP rs200286140, ClinGen allele CA295532846.